The following is an entry in ClinVar:

ClinVar aggregate classification (germline): Pathogenic. Review status: reviewed by expert panel (3 of 4 stars). 11 submissions from 11 submitters: Pathogenic (1). 10 of the submissions do not count toward it. Last evaluated 2024-12-03.

Conditions:
MAP2K2-related disorder. Also called: MAP2K2-related condition.
Noonan syndrome and Noonan-related syndrome. Identifiers: Orphanet 98733, MedGen C5681679, MONDO:0020297.
Cardiofaciocutaneous syndrome 4 (CFC4). Also called: MAP2K2-Related Cardiofaciocutaneous Syndrome. Identifiers: Orphanet 1340, MedGen C3809007, MONDO:0014114, OMIM 615280.
RASopathy. Also called: rasopathies; Noonan spectrum disorder. Identifiers: Orphanet 536391, MedGen C5555857, MONDO:0021060.
Noonan syndrome 1 (NS1). Also called: PTPN11-Related Noonan Syndrome; FEMALE PSEUDO-TURNER SYNDROME; TURNER PHENOTYPE WITH NORMAL KARYOTYPE. Identifiers: Orphanet 648, MedGen C4551602, MONDO:0008104, OMIM 163950. Disease mechanism: gain of function.
Cardio-facio-cutaneous syndrome. Also called: Cardiofaciocutaneous syndrome; CFC syndrome. Identifiers: Orphanet 1340, MedGen C1275081, MONDO:0015280. Disease mechanism: gain of function.

Submissions (11):

ClinGen RASopathy Variant Curation Expert Panel
Classification: Pathogenic for RASopathy. Last evaluated: 2024-12-03. Review status: reviewed by expert panel. Criteria: ClinGen RASopathy ACMG Specifications MAP2K2 V2.3.0. Collection method: curation. Allele origin: germline. Inheritance: Autosomal dominant inheritance.
Comment: The c.400T>C variant in the MAP2K2 gene is a missense variant predicted to cause substitution of tyrosine by histidine at amino acid 134 (p.Tyr134His). This variant is absent from gnomAD v2.1.1 (PM2_Supporting). The computational predictor REVEL gives a score of 0.917, predicting a damaging impact on protein function (PP3). This variant is in a location that has been defined by the ClinGen RASopathy Expert Panel to be a critical functional domain of MAP2K2 (PM1, AA 128-138). Furthermore, a different pathogenic variant at this residue (Tyr134Cys) has been identified in several patients with RASopathies (PM5). This variant has been identified in at least 6 patients with a RASopathy, of which 2 were unconfirmed de novo cases (PS4, PM6_Strong; Partners LMM, Labcorp internal data, ClinVar: SCV000063166.5, SCV002210187.3; PMID: 18042262, 18456719, 27763634). Western blot assay in Ba/F3 cells showed that the variant activated ERK signaling while the wildtype did not (PS3_Supporting, PMID: 30867592). In summary, this variant meets criteria to be classified as pathogenic for autosomal dominant RASopathies based on the ACMG/AMP criteria applied, as specified by the ClinGen RASopathy Variant Curation Expert Panel: PS4, PM6_Strong, PM1, PM5, PS3_Supprting, PM2_Supporting, PP3 (Specification Version 2.3, 12/3/2024)

Labcorp Genetics (formerly Invitae), Labcorp
Classification: Pathogenic for RASopathy. Last evaluated: 2025-12-26. Review status: criteria provided, single submitter. Criteria: Invitae Variant Classification Sherloc (09022015). Collection method: clinical testing. Allele origin: germline. Not counted in ClinVar's aggregate classification.
Comment: This sequence change replaces tyrosine, which is neutral and polar, with histidine, which is basic and polar, at codon 134 of the MAP2K2 protein (p.Tyr134His). This variant is not present in population databases (gnomAD no frequency). This missense change has been observed in individual(s) with cardio-facio-cutaneous syndrome (PMID: 18042262, 18456719). In at least one individual the variant was observed to be de novo. ClinVar contains an entry for this variant (Variation ID: 8274). Invitae Evidence Modeling incorporating data from in vitro experimental studies (internal data) indicates that this missense variant is expected to disrupt MAP2K2 function with a positive predictive value of 95%. This variant disrupts the p.Tyr134 amino acid residue in MAP2K2. Other variant(s) that disrupt this residue have been determined to be pathogenic (PMID: 18039235, 18413255, 23885229). This suggests that this residue is clinically significant, and that variants that disrupt this residue are likely to be disease-causing. For these reasons, this variant has been classified as Pathogenic.

Laboratory of Genetics, Children's Clinical University Hospital Latvia
Classification: Pathogenic. Last evaluated: 2025-02-16. Review status: criteria provided, single submitter. Criteria: ACMG Guidelines, 2015. Collection method: clinical testing. Allele origin: germline. Affected: yes. Not counted in ClinVar's aggregate classification.

Blueprint Genetics
Classification: Pathogenic for MAP2K2-related disorders. Last evaluated: 2024-01-04. Review status: criteria provided, single submitter. Criteria: ACMG Guidelines, 2015. Collection method: clinical testing. Allele origin: germline. Affected: yes. Observed: 4 variant alleles. Not counted in ClinVar's aggregate classification.

GeneDx
Classification: Pathogenic. Last evaluated: 2023-11-03. Review status: criteria provided, single submitter. Criteria: GeneDx Variant Classification Process June 2021. Collection method: clinical testing. Allele origin: germline. Affected: yes. Not counted in ClinVar's aggregate classification.
Comment: Not observed at significant frequency in large population cohorts (gnomAD); In silico analysis supports that this missense variant has a deleterious effect on protein structure/function; This variant is associated with the following publications: (PMID: 18042262, 24803665, 27763634, 33153128, 33258288, 30867592, 18456719, 19156172, 22177953, 22753777, 26399658, 29493581)

PreventionGenetics, part of Exact Sciences
Classification: Pathogenic for MAP2K2-related condition. Last evaluated: 2023-06-01. Review status: criteria provided, single submitter. Criteria: ACMG Guidelines, 2015. Collection method: clinical testing. Allele origin: germline. Not counted in ClinVar's aggregate classification.
Comment: The MAP2K2 c.400T>C variant is predicted to result in the amino acid substitution p.Tyr134His. This variant has been reported in individuals with cardio-facio-cutaneous (CFC) syndrome, Noonan syndrome, or a RASopathy (Nyström et al. 2008. PubMed ID: 18456719; Schulz et al. 2008. PubMed ID: 18042262; Terao et al. 2010. PubMed ID: 20518782; Table S1, Bhoj et al. 2017. PubMed ID: 27763634). This variant was reported in at least one of those patients in the de novo state (Nyström et al. 2008. PubMed ID: 18456719). This variant was also reported de novo in an individual with neurodevelopmental disorder, seizure, other neurological anomaly, syndromic/malformative, immune/hematological diseases, cardiovascular disease (Supplemental Data, Case ID 452, Quaio et al. 2020. PubMed ID: 33258288) and in an individual with Erdheim-Chester disease (ECD) (Diamond et al. 2019. PubMed ID: 30867592). Functional studies also showed that this variant alters protein function (Diamond et al. 2019. PubMed ID: 30867592). This variant has not been reported in a large population database, indicating this variant is rare, and is reported as pathogenic and likely pathogenic in ClinVar. This variant is interpreted as pathogenic.

Genome Diagnostics Laboratory, The Hospital for Sick Children
Classification: Likely pathogenic for Noonan syndrome and Noonan-related syndrome. Last evaluated: 2019-06-01. Review status: criteria provided, single submitter. Criteria: ACMG Guidelines, 2015. Collection method: clinical testing. Allele origin: germline. Affected: yes. Not counted in ClinVar's aggregate classification.

Fulgent Genetics
Classification: Pathogenic for Cardiofaciocutaneous syndrome 4. Last evaluated: 2017-05-18. Review status: criteria provided, single submitter. Criteria: ACMG Guidelines, 2015. Collection method: clinical testing. Allele origin: unknown. Not counted in ClinVar's aggregate classification.

Laboratory for Molecular Medicine, Mass General Brigham Personalized Medicine
Classification: Likely pathogenic for Cardio-facio-cutaneous syndrome. Last evaluated: 2008-11-24. Review status: no assertion criteria provided. Collection method: clinical testing. Allele origin: germline. Observed: 1 variant allele. Not counted in ClinVar's aggregate classification.

OMIM
Classification: Pathogenic for CARDIOFACIOCUTANEOUS SYNDROME 4. Last evaluated: 2008-01-01. Review status: no assertion criteria provided. Collection method: literature only. Allele origin: germline. Not counted in ClinVar's aggregate classification.

Molecular Genetics, Centre for Human Genetics
Classification: Likely pathogenic for Noonan syndrome 1. Review status: no assertion criteria provided. Collection method: clinical testing. Allele origin: de novo. Inheritance: Autosomal dominant inheritance. Affected: yes. Observed: 1 variant allele. Not counted in ClinVar's aggregate classification.

Literature cited by the submitters: PubMed 18042262 (cited by 3 submitters); PubMed 18456719 (cited by Labcorp Genetics (formerly Invitae), Labcorp); PubMed 18039235 (cited by Labcorp Genetics (formerly Invitae), Labcorp); PubMed 18413255 (cited by Labcorp Genetics (formerly Invitae), Labcorp); PubMed 23885229 (cited by Labcorp Genetics (formerly Invitae), Labcorp).

NM_030662.4(MAP2K2):c.400T>C (p.Tyr134His)

Gene: MAP2K2 (mitogen-activated protein kinase kinase 2; minus strand). Cytogenetic location: 19p13.3.
Variant type: single nucleotide variant.
Coding change: c.400T>C on transcript NM_030662.4 (MANE Select); coding-DNA position 400, T replaced by C.
Protein change: p.Tyr134His; replaces tyrosine 134 with histidine.
Molecular consequence: missense variant.
Genome position (GRCh38, 1-based): chr19:4,110,559, A>G on the plus strand (T>C on the coding strand, the complement: MAP2K2 is on the minus strand). VCF-style: chr19-4110559-A-G. GRCh37 (hg19) VCF-style: chr19-4110557-A-G.
Other names: p.Y134H:TAC>CAC; NM_030662.3(MAP2K2):c.400T>C; NM_030662.4(MAP2K2):c.400T>C; short protein forms Y134H.
Identifiers: ClinVar variation 8274 (VCV000008274.22), dbSNP rs121434499, ClinGen allele CA119417.